The following is an entry in ClinVar:

NM_001943.5(DSG2):c.158C>G (p.Thr53Ser)

Gene: DSG2 (desmoglein 2; plus strand). Cytogenetic location: 18q12.1.
Variant type: single nucleotide variant.
Coding change: c.158C>G on transcript NM_001943.5 (MANE Select); coding-DNA position 158, C replaced by G.
Protein change: p.Thr53Ser; replaces threonine 53 with serine.
Molecular consequence: missense variant.
Genome position (GRCh38, 1-based): chr18:31,519,879, C>G. VCF-style: chr18-31519879-C-G. GRCh37 (hg19) VCF-style: chr18-29099842-C-G.
Other names: short protein forms T53S.
Identifiers: ClinVar variation 1389019 (VCV001389019.6), dbSNP rs1456845187, ClinGen allele CA402130837.

ClinVar aggregate classification (germline): Uncertain significance (1 of 4 stars; one submission).

Conditions:
Arrhythmogenic right ventricular dysplasia 10. Also called: Arrhythmogenic Right Ventricular Dysplasia/Cardiomyopathy10; Arrhythmogenic right ventricular dysplasia/cardiomyopathy, type 10; ARRHYTHMOGENIC RIGHT VENTRICULAR DYSPLASIA, FAMILIAL, 10. Identifiers: MedGen C1857777, MONDO:0012434, OMIM 610193.

Submission:

Labcorp Genetics (formerly Invitae), Labcorp
Classification: Uncertain significance for Arrhythmogenic right ventricular dysplasia 10. Last evaluated: 2025-02-05. Review status: criteria provided, single submitter. Criteria: Invitae Variant Classification Sherloc (09022015). Collection method: clinical testing. Allele origin: germline.
Comment: This sequence change replaces threonine, which is neutral and polar, with serine, which is neutral and polar, at codon 53 of the DSG2 protein (p.Thr53Ser). This variant is not present in population databases (gnomAD no frequency). This variant has not been reported in the literature in individuals affected with DSG2-related conditions. ClinVar contains an entry for this variant (Variation ID: 1389019). Invitae Evidence Modeling of protein sequence and biophysical properties (such as structural, functional, and spatial information, amino acid conservation, physicochemical variation, residue mobility, and thermodynamic stability) has been performed for this missense variant. However, the output from this modeling did not meet the statistical confidence thresholds required to predict the impact of this variant on DSG2 protein function. In summary, the available evidence is currently insufficient to determine the role of this variant in disease. Therefore, it has been classified as a Variant of Uncertain Significance.